The following is an entry in ClinVar:

ClinVar aggregate classification (germline): Benign/Likely benign. Review status: criteria provided, multiple submitters, no conflicts (2 of 4 stars). 4 submissions from 4 submitters: Benign (2); Likely benign (2). Last evaluated 2026-01-28.

Conditions:
Cataract 36. Identifiers: MedGen C3151304, MONDO:0013484, OMIM 613887.

Allele frequency attached by ClinVar (database versions not stated): 1000 Genomes Project 0.00938; 1000 Genomes Project 30x 0.00953; TOPMed 0.02196; gnomAD exomes 0.02259; gnomAD 0.02276 and 0.02374; ExAC 0.02283; ESP Exome Variant Server 0.02568.
gnomAD v4.1: 47,774 of 1,611,754 alleles (3%); highest among the groups gnomAD compares: Non-Finnish European, 3.5%; 838 homozygotes.

Submissions (4):

Labcorp Genetics (formerly Invitae), Labcorp
Classification: Benign for Cataract 36. Last evaluated: 2026-01-28. Review status: criteria provided, single submitter. Criteria: Invitae Variant Classification Sherloc (09022015). Collection method: clinical testing. Allele origin: germline.

GeneDx
Classification: Likely benign. Last evaluated: 2018-06-29. Review status: criteria provided, single submitter. Criteria: GeneDx Variant Classification Process June 2021. Collection method: clinical testing. Allele origin: germline. Affected: yes.

Illumina Laboratory Services, Illumina
Classification: Benign for Cataract 36. Last evaluated: 2018-01-13. Review status: criteria provided, single submitter. Criteria: ICSL Variant Classification Criteria 13 December 2019. Collection method: clinical testing. Allele origin: germline.
Comment: This variant was observed in the ICSL laboratory as part of a predisposition screen in an ostensibly healthy population. It had not been previously curated by ICSL or reported in the Human Gene Mutation Database (HGMD: prior to June 1st, 2018), and was therefore a candidate for classification through an automated scoring system. Utilizing variant allele frequency, disease prevalence and penetrance estimates, and inheritance mode, an automated score was calculated to assess if this variant is too frequent to cause the disease. Based on the score and internal cut-off values, a variant classified as benign is not then subjected to further curation. The score for this variant resulted in a classification of benign for this disease.

Breakthrough Genomics
Classification: Likely benign. Review status: criteria provided, single submitter. Criteria: ACMG Guidelines, 2015. Collection method: not provided. Allele origin: germline. Inheritance: Autosomal recessive inheritance. Affected: yes.

NM_014290.3(TDRD7):c.563+14G>A

Gene: TDRD7 (tudor domain containing 7; plus strand). Cytogenetic location: 9q22.33.
Variant type: single nucleotide variant.
Coding change: c.563+14G>A on transcript NM_014290.3 (MANE Select); 14 bases into the intron after coding-DNA position 563, G replaced by A.
Molecular consequence: intron variant.
Genome position (GRCh38, 1-based): chr9:97,432,252, G>A. VCF-style: chr9-97432252-G-A. GRCh37 (hg19) VCF-style: chr9-100194534-G-A.
Other names: c.341+14G>A (NM_001302884.2).
Identifiers: ClinVar variation 364060 (VCV000364060.16), dbSNP rs13290426, ClinGen allele CA5146465.